The following is an entry in ClinVar:

NM_002485.5(NBN):c.2070+18A>G

Gene: NBN (nibrin; minus strand). Cytogenetic location: 8q21.3.
Variant type: single nucleotide variant.
Coding change: c.2070+18A>G on transcript NM_002485.5 (MANE Select); 18 bases into the intron after coding-DNA position 2070, A replaced by G.
Molecular consequence: intron variant.
Genome position (GRCh38, 1-based): chr8:89,946,122, T>C on the plus strand (A>G on the coding strand, the complement: NBN is on the minus strand). VCF-style: chr8-89946122-T-C. GRCh37 (hg19) VCF-style: chr8-90958350-T-C.
Other names: c.1824+18A>G (NM_001024688.3).
Identifiers: ClinVar variation 387897 (VCV000387897.8), dbSNP rs756636190, ClinGen allele CA4802618.

ClinVar aggregate classification (germline): Likely benign. Review status: criteria provided, multiple submitters, no conflicts (2 of 4 stars). 2 submissions from 2 submitters: Likely benign (2). Last evaluated 2023-10-16.

Conditions:
Microcephaly, normal intelligence and immunodeficiency (NBS). Also called: BERLIN BREAKAGE SYNDROME; Immunodeficiency, microcephaly with normal intelligence; Nijmegen breakage syndrome; Microcephaly with normal intelligence immunodeficiency and lymphoreticular malignancies; Nonsyndromal microcephaly autosomal recessive with normal intelligence; Seemanova syndrome 2. Identifiers: Orphanet 647, MedGen C0398791, MONDO:0009623, OMIM 251260.

Allele frequency attached by ClinVar (database versions not stated): gnomAD exomes below 0.00001; TOPMed below 0.00001; ExAC 0.00001.
gnomAD v4.1: 6 of 1,529,600 alleles (0.00039%); highest among the groups gnomAD compares: Non-Finnish European, 0.00054%; no homozygotes.

Submissions (2):

Labcorp Genetics (formerly Invitae), Labcorp
Classification: Likely benign for Microcephaly, normal intelligence and immunodeficiency. Last evaluated: 2023-10-16. Review status: criteria provided, single submitter. Criteria: Invitae Variant Classification Sherloc (09022015). Collection method: clinical testing. Allele origin: germline.

GeneDx
Classification: Likely benign. Last evaluated: 2016-07-14. Review status: criteria provided, single submitter. Criteria: GeneDx Variant Classification (06012015). Collection method: clinical testing. Allele origin: germline. Affected: yes.
Comment: This variant is considered likely benign or benign based on one or more of the following criteria: it is a conservative change, it occurs at a poorly conserved position in the protein, it is predicted to be benign by multiple in silico algorithms, and/or has population frequency not consistent with disease.